The following is an entry in ClinVar:

NM_007118.4(TRIO):c.3976G>A (p.Val1326Met)

Gene: TRIO (trio Rho guanine nucleotide exchange factor; plus strand). Cytogenetic location: 5p15.2.
Variant type: single nucleotide variant.
Coding change: c.3976G>A on transcript NM_007118.4 (MANE Select); coding-DNA position 3976, G replaced by A.
Protein change: p.Val1326Met; replaces valine 1326 with methionine.
Molecular consequence: missense variant. On other transcripts: non-coding transcript variant (1).
Genome position (GRCh38, 1-based): chr5:14,389,316, G>A. VCF-style: chr5-14389316-G-A. GRCh37 (hg19) VCF-style: chr5-14389425-G-A.
Other names: short protein forms V1326M.
Identifiers: ClinVar variation 2631199 (VCV002631199.1), dbSNP rs1746840636, ClinGen allele CA359229605.

ClinVar aggregate classification (germline): Uncertain significance (1 of 4 stars; one submission).

Conditions:
TRIO-related disorder. Also called: TRIO-related condition; TRIO-related disorders.

Allele frequency attached by ClinVar (database versions not stated): gnomAD exomes 0.00001.
gnomAD v4.1: 9 of 1,612,104 alleles (0.00056%); highest among the groups gnomAD compares: Non-Finnish European, 0.00068%; no homozygotes.

Submission:

PreventionGenetics, part of Exact Sciences
Classification: Uncertain significance for TRIO-related condition. Last evaluated: 2023-07-26. Review status: criteria provided, single submitter. Criteria: ACMG Guidelines, 2015. Collection method: clinical testing. Allele origin: germline.
Comment: The TRIO c.3976G>A variant is predicted to result in the amino acid substitution p.Val1326Met. To our knowledge, this variant has not been reported in the literature or in a large population database, indicating this variant is rare. At this time, the clinical significance of this variant is uncertain due to the absence of conclusive functional and genetic evidence.